The following is an entry in ClinVar:

NM_000548.5(TSC2):c.4379_4395dup (p.Ser1466fs)

Gene: TSC2 (TSC complex subunit 2; plus strand). Cytogenetic location: 16p13.3.
Variant type: Duplication.
Coding change: c.4379_4395dup on transcript NM_000548.5 (MANE Select); coding-DNA positions 4379 to 4395, 17 bases duplicated (GTTACACCATCTCCGAC).
Protein change: p.Ser1466fs; shifts the reading frame from serine 1466.
Molecular consequence: frameshift variant.
Genome position (GRCh38, 1-based): chr16:2,084,601-2,084,617, GTTACACCATCTCCGAC duplicated. VCF-style (leftmost placement, unchanged base first): chr16-2084600-G-GGTTACACCATCTCCGAC. GRCh37 (hg19) VCF-style: chr16-2134601-G-GGTTACACCATCTCCGAC.
Other names: c.4178_4194dup, p.Ser1399fs (NM_001077183.3); c.4310_4326dup, p.Ser1443fs (NM_001114382.3); c.4070_4086dup, p.Ser1363fs (NM_001318827.2); c.4034_4050dup, p.Ser1351fs (NM_001318829.2); c.3647_3663dup, p.Ser1222fs (NM_001318831.2); c.4211_4227dup, p.Ser1410fs (NM_001318832.2); c.4181_4197dup, p.Ser1400fs (NM_001363528.2); c.4247_4263dup, p.Ser1422fs (NM_001370404.1); and 1 more; short protein forms S1351fs, S1399fs, S1400fs, S1363fs, S1410fs, S1422fs, S1222fs, S1423fs.
Identifiers: ClinVar variation 1381561 (VCV001381561.6), dbSNP rs2151534791, ClinGen allele CA2573151655.

ClinVar aggregate classification (germline): Pathogenic (1 of 4 stars; one submission).

Conditions:
Tuberous sclerosis 2 (TSC2). Identifiers: Orphanet 805, MedGen C1860707, MONDO:0013199, OMIM 613254.

Submission:

Labcorp Genetics (formerly Invitae), Labcorp
Classification: Pathogenic for Tuberous sclerosis 2. Last evaluated: 2021-06-09. Review status: criteria provided, single submitter. Criteria: Invitae Variant Classification Sherloc (09022015). Collection method: clinical testing. Allele origin: germline.
Comment: This sequence change creates a premature translational stop signal (p.Ser1466Valfs*16) in the TSC2 gene. It is expected to result in an absent or disrupted protein product. Loss-of-function variants in TSC2 are known to be pathogenic (PMID: 10205261, 17304050). This variant is not present in population databases (ExAC no frequency). This variant has not been reported in the literature in individuals with TSC2-related conditions. For these reasons, this variant has been classified as Pathogenic.

Literature cited by the submitters: PubMed 10205261; PubMed 17304050.